The following is an entry in ClinVar:

NM_000360.4(TH):c.575C>T (p.Pro192Leu)

Gene: TH (tyrosine hydroxylase; minus strand). Cytogenetic location: 11p15.5.
Variant type: single nucleotide variant.
Coding change: c.575C>T on transcript NM_000360.4 (MANE Select); coding-DNA position 575, C replaced by T.
Protein change: p.Pro192Leu; replaces proline 192 with leucine.
Molecular consequence: missense variant.
Genome position (GRCh38, 1-based): chr11:2,168,092, G>A on the plus strand (C>T on the coding strand, the complement: TH is on the minus strand). VCF-style: chr11-2168092-G-A. GRCh37 (hg19) VCF-style: chr11-2189322-G-A.
Other names: c.668C>T, p.Pro223Leu (NM_199292.3); c.656C>T, p.Pro219Leu (NM_199293.3); short protein forms P192L, P219L, P223L.
Identifiers: ClinVar variation 861757 (VCV000861757.6), dbSNP rs760346235, ClinGen allele CA5818615.
Genomic context (GRCh38, chr11:2,168,092, plus strand): 5'-GCTAAGGGTAGGGGATGTGATCAGGGGCAGGAGGCCTGAGTGAGGGGCGCACCACTCACC[G>A]GGTGGTCCAAGTCCAGGTCAGGGTCGAACTTGGTGACCAGGTGATGACACTTGTCCAGCT-3'
Protein context (NP_000351.2, residues 182-202): KFDPDLDLDH[Pro192Leu]GFSDQVYRQR

ClinVar aggregate classification (germline): Uncertain significance (1 of 4 stars; one submission).

Conditions:
TH-deficient dopa-responsive dystonia. Also called: Tyrosine Hydroxylase-Deficient Dopa-Responsive Dystonia; DYT-TH; Segawa syndrome, autosomal recessive. Identifiers: Orphanet 101150, MedGen C2673535, MONDO:0011551, OMIM 605407.

gnomAD v4.1: 7 of 1,613,400 alleles (0.00043%); highest among the groups gnomAD compares: Non-Finnish European, 0.00051%; no homozygotes.

Submission:

Labcorp Genetics (formerly Invitae), Labcorp
Classification: Uncertain significance for TH-deficient dopa-responsive dystonia. Last evaluated: 2021-08-12. Review status: criteria provided, single submitter. Criteria: Invitae Variant Classification Sherloc (09022015). Collection method: clinical testing. Allele origin: germline.
Comment: This sequence change replaces proline with leucine at codon 223 of the TH protein (p.Pro223Leu). The proline residue is highly conserved and there is a moderate physicochemical difference between proline and leucine. This variant is present in population databases (rs760346235, ExAC 0.002%). This missense change has been observed in individual(s) with clinical features of TH-related conditions (PMID: 32185155). ClinVar contains an entry for this variant (Variation ID: 861757). Algorithms developed to predict the effect of missense changes on protein structure and function (SIFT, PolyPhen-2, Align-GVGD) all suggest that this variant is likely to be disruptive. In summary, the available evidence is currently insufficient to determine the role of this variant in disease. Therefore, it has been classified as a Variant of Uncertain Significance.

Literature cited by the submitters: PubMed 32185155.